The following is an entry in ClinVar:

ClinVar aggregate classification (germline): Uncertain significance (1 of 4 stars; one submission).

Conditions:
Hereditary cancer-predisposing syndrome. Also called: Tumor predisposition; Hereditary neoplastic syndrome; Hereditary Cancer Syndrome; Neoplastic Syndromes, Hereditary. Identifiers: Orphanet 140162, MedGen C0027672, MeSH D009386, MONDO:0015356.

Submission:

Ambry Genetics
Classification: Uncertain significance for Hereditary cancer-predisposing syndrome. Last evaluated: 2024-01-07. Review status: criteria provided, single submitter. Criteria: Ambry Variant Classification Scheme 2023. Collection method: clinical testing. Allele origin: germline.
Comment: The c.1088-5T>C intronic variant results from a T to C substitution 5 nucleotides upstream from coding exon 5 in the BLM gene. This nucleotide position is well conserved in available vertebrate species. In silico splice site analysis predicts that this alteration will not have any significant effect on splicing. Since supporting evidence is limited at this time, the clinical significance of this alteration remains unclear.

NM_000057.4(BLM):c.1088-5T>C

Gene: BLM (BLM RecQ like helicase; plus strand). Cytogenetic location: 15q26.1.
Variant type: single nucleotide variant.
Coding change: c.1088-5T>C on transcript NM_000057.4 (MANE Select); 5 bases into the intron before coding-DNA position 1088, T replaced by C.
Molecular consequence: intron variant. On other transcripts: 5 prime UTR variant (1).
Genome position (GRCh38, 1-based): chr15:90,760,142, T>C. VCF-style: chr15-90760142-T-C. GRCh37 (hg19) VCF-style: chr15-91303372-T-C.
Other names: c.-43T>C (NM_001287248.2); c.1088-5T>C (NM_001287246.2, NM_001287247.2).
Identifiers: ClinVar variation 3223785 (VCV003223785.1), dbSNP rs2151157089, ClinGen allele CA2825002314.